The following is an entry in ClinVar:

ClinVar aggregate classification (germline): Uncertain significance (1 of 4 stars; one submission).

gnomAD v4.1: 8 of 152,068 alleles (0.0053%); highest among the groups gnomAD compares: African/African-American, 0.012%; no homozygotes.

Submission:

GeneDx
Classification: Uncertain significance. Last evaluated: 2026-04-14. Review status: criteria provided, single submitter. Criteria: GeneDx Variant Classification Process June 2021. Collection method: clinical testing. Allele origin: germline.
Comment: Has not been previously published as pathogenic or benign to our knowledge; In silico analysis suggests this variant may impact gene splicing. In the absence of RNA/functional studies, the actual effect of this sequence change is unknown.

NM_022575.4(VPS16):c.53+3751C>T

Gene: VPS16 (VPS16 core subunit of CORVET and HOPS complexes; plus strand). Cytogenetic location: 20p13.
Variant type: single nucleotide variant.
Coding change: c.53+3751C>T on transcript NM_022575.4 (MANE Select); 3751 bases into the intron after coding-DNA position 53, C replaced by T.
Molecular consequence: intron variant.
Genome position (GRCh38, 1-based): chr20:2,844,578, C>T. VCF-style: chr20-2844578-C-T. GRCh37 (hg19) VCF-style: chr20-2825224-C-T.
Other names: c.53+3751C>T (NM_080413.3).
Identifiers: ClinVar variation 5037208 (VCV005037208.1).